The following is an entry in ClinVar:

ClinVar aggregate classification (germline): Uncertain significance. Review status: criteria provided, multiple submitters, no conflicts (2 of 4 stars). 2 submissions from 2 submitters: Uncertain significance (2). Last evaluated 2024-09-18.

Conditions:
Gastrointestinal stromal tumor. Also called: Gastrointestinal stroma tumor; Gastrointestinal stromal tumor, somatic. Identifiers: Orphanet 44890, MedGen C0238198, MeSH D046152, MONDO:0011719, OMIM 606764, HP:0100723.
Pheochromocytoma/paraganglioma syndrome 4. Also called: CAROTID BODY TUMORS AND MULTIPLE EXTRAADRENAL PHEOCHROMOCYTOMAS; SDHB-Related Hereditary Paraganglioma-Pheochromocytoma Syndrome; PARAGANGLIOMA, FAMILIAL MALIGNANT; PARAGANGLIOMAS, HEREDITARY EXTRAADRENAL; PHEOCHROMOCYTOMA, FAMILIAL EXTRAADRENAL; Paragangliomas 4. Identifiers: Orphanet 29072, MedGen C1861848, MONDO:0007273, OMIM 115310.
Pheochromocytoma. Also called: MAX-Related Hereditary Paraganglioma-Pheochromocytoma Syndrome. Identifiers: Orphanet 29072, MedGen C0031511, MONDO:0008233, OMIM 171300, HP:0002666.
Hereditary cancer-predisposing syndrome. Also called: Hereditary neoplastic syndrome; Tumor predisposition; Hereditary Cancer Syndrome; Neoplastic Syndromes, Hereditary. Identifiers: Orphanet 140162, MedGen C0027672, MeSH D009386, MONDO:0015356.

Submissions (2):

Ambry Genetics
Classification: Uncertain significance for Hereditary cancer-predisposing syndrome. Last evaluated: 2024-09-18. Review status: criteria provided, single submitter. Criteria: Ambry Variant Classification Scheme 2023. Collection method: clinical testing. Allele origin: germline.
Comment: The p.S222A variant (also known as c.664T>G), located in coding exon 7 of the SDHB gene, results from a T to G substitution at nucleotide position 664. The serine at codon 222 is replaced by alanine, an amino acid with similar properties. This amino acid position is conserved. In addition, this alteration is predicted to be deleterious by in silico analysis. Based on the available evidence, the clinical significance of this variant remains unclear.

Labcorp Genetics (formerly Invitae), Labcorp
Classification: Uncertain significance for Gastrointestinal stromal tumor; Pheochromocytoma/paraganglioma syndrome 4; Pheochromocytoma. Last evaluated: 2023-05-07. Review status: criteria provided, single submitter. Criteria: Invitae Variant Classification Sherloc (09022015). Collection method: clinical testing. Allele origin: germline.
Comment: In summary, the available evidence is currently insufficient to determine the role of this variant in disease. Therefore, it has been classified as a Variant of Uncertain Significance. Advanced modeling of protein sequence and biophysical properties (such as structural, functional, and spatial information, amino acid conservation, physicochemical variation, residue mobility, and thermodynamic stability) performed at Invitae indicates that this missense variant is expected to disrupt SDHB protein function. ClinVar contains an entry for this variant (Variation ID: 1442228). This variant has not been reported in the literature in individuals affected with SDHB-related conditions. This variant is not present in population databases (gnomAD no frequency). This sequence change replaces serine, which is neutral and polar, with alanine, which is neutral and non-polar, at codon 222 of the SDHB protein (p.Ser222Ala).

NM_003000.3(SDHB):c.664T>G (p.Ser222Ala)

Gene: SDHB (succinate dehydrogenase complex iron sulfur subunit B; minus strand). Cytogenetic location: 1p36.13.
Variant type: single nucleotide variant.
Coding change: c.664T>G on transcript NM_003000.3 (MANE Select); coding-DNA position 664, T replaced by G.
Protein change: p.Ser222Ala; replaces serine 222 with alanine.
Molecular consequence: missense variant.
Genome position (GRCh38, 1-based): chr1:17,022,709, A>C on the plus strand (T>G on the coding strand, the complement: SDHB is on the minus strand). VCF-style: chr1-17022709-A-C. GRCh37 (hg19) VCF-style: chr1-17349204-A-C.
Other names: c.664T>G (NM_003000.2); short protein forms S222A.
Identifiers: ClinVar variation 1442228 (VCV001442228.9), dbSNP rs2101513953, ClinGen allele CA338270458.